The following is an entry in ClinVar:

ClinVar aggregate classification (germline): Uncertain significance (1 of 4 stars; one submission).

Conditions:
GNAS-related disorder. Identifiers: MedGen CN380105.

Submission:

PreventionGenetics, part of Exact Sciences
Classification: Uncertain significance for GNAS-related condition. Last evaluated: 2025-04-09. Review status: criteria provided, single submitter. Criteria: ACMG Guidelines, 2015. Collection method: clinical testing. Allele origin: germline.
Comment: The GNAS c.782A>G variant is predicted to result in the amino acid substitution p.Asn261Ser. To our knowledge, this variant has not been reported in the literature or in a large population database (gnomAD), indicating this variant is rare. At this time, the clinical significance of this variant is uncertain due to the absence of conclusive functional and genetic evidence.

NM_000516.7(GNAS):c.782A>G (p.Asn261Ser)

Gene: GNAS (GNAS complex locus; plus strand). Cytogenetic location: 20q13.32.
Variant type: single nucleotide variant.
Coding change: c.782A>G on transcript NM_000516.7 (MANE Select); coding-DNA position 782, A replaced by G.
Protein change: p.Asn261Ser; replaces asparagine 261 with serine.
Molecular consequence: missense variant. On other transcripts: 3 prime UTR variant (2).
Genome position (GRCh38, 1-based): chr20:58,909,747, A>G. VCF-style: chr20-58909747-A-G. GRCh37 (hg19) VCF-style: chr20-57484802-A-G.
Other names: c.785A>G, p.Asn262Ser (NM_001077488.5); c.737A>G, p.Asn246Ser (NM_001077489.4); c.*643A>G (NM_001077490.3); c.605A>G, p.Asn202Ser (NM_001309840.2, NM_001309861.2, NM_001438276.1 and 1 more transcripts); c.686A>G, p.Asn229Ser (NM_001410912.1); c.2666A>G, p.Asn889Ser (NM_001410913.1); c.560A>G, p.Asn187Ser (NM_001438273.1, NM_001438274.1, NM_001438275.1); c.*688A>G (NM_016592.5); and 2 more; short protein forms N202S, N247S, N187S, N246S, N262S, N889S, N229S, N261S.
Identifiers: ClinVar variation 4998042 (VCV004998042.1).
Genomic context (GRCh38, chr20:58,909,747, plus strand): 5'-TGACTGCCATCATCTTCGTGGTGGCCAGCAGCAGCTACAACATGGTCATCCGGGAGGACA[A>G]CCAGACCAACCGCCTGCAGGAGGCTCTGAACCTCTTCAAGAGCATCTGGAACAACAGGTT-3'
Protein context (NP_000507.1, residues 251-271): SSYNMVIRED[Asn261Ser]QTNRLQEALN